The following is an entry in ClinVar:

ClinVar aggregate classification (germline): Likely pathogenic (1 of 4 stars; one submission).

Conditions:
Familial intrahepatic cholestasis. Identifiers: Orphanet 284385, MedGen CN296401, MONDO:0017290.

Submission:

Genomenon, Inc
Classification: Likely pathogenic for Familial intrahepatic cholestasis. Last evaluated: 2026-04-14. Review status: criteria provided, single submitter. Criteria: Genomenon Sequence Variant Interpretation Standards - Updated. Collection method: curation. Allele origin: germline. Affected: yes.
Comment: ABCB11 p.Ala1192GlufsTer51 (c.3575del) is a frameshift variant that results in the production of a truncated protein. This variant has been observed in at least one proband with an ABCB11-related disorder (PMID:20232290). It is absent or not present at a significant frequency in gnomAD. In conclusion, we classify ABCB11 p.Ala1192GlufsTer51 (c.3575del) as a likely pathogenic variant.

Literature cited by the submitters: PubMed 20232290.

NM_003742.4(ABCB11):c.3575del (p.Ala1192fs)

Gene: ABCB11 (ATP binding cassette subfamily B member 11; minus strand). Cytogenetic location: 2q31.1.
Variant type: Deletion.
Coding change: c.3575del on transcript NM_003742.4 (MANE Select); coding-DNA position 3575, one base deleted (C; older notation c.3575delC).
Protein change: p.Ala1192fs; shifts the reading frame from alanine 1192.
Molecular consequence: frameshift variant.
Genome position (GRCh38, 1-based): chr2:168,927,199, G deleted on the plus strand (C on the coding strand, the reverse complement: ABCB11 is on the minus strand). VCF-style (leftmost placement, unchanged base first): chr2-168927198-TG-T. GRCh37 (hg19) VCF-style: chr2-169783708-TG-T.
Other names: short protein forms A1192fs.
Identifiers: ClinVar variation 4846729 (VCV004846729.1).